The following is an entry in ClinVar:

NM_021008.4(DEAF1):c.1690_1693dup (p.Val565fs)

Gene: DEAF1 (DEAF1 transcription factor; minus strand). Cytogenetic location: 11p15.5.
Variant type: Duplication.
Coding change: c.1690_1693dup on transcript NM_021008.4 (MANE Select); coding-DNA positions 1690 to 1693, 4 bases duplicated (ACCG; older notation c.1690_1693dupACCG).
Protein change: p.Val565fs; shifts the reading frame from valine 565.
Molecular consequence: frameshift variant.
Genome position (GRCh38, 1-based): chr11:644,555-644,558, CGGT duplicated on the plus strand (ACCG on the coding strand, the reverse complement: DEAF1 is on the minus strand); duplicating any 4 consecutive bases within chr11:644,555-644,559 gives the same sequence; the c. name uses the placement nearest the transcript's 3' end. VCF-style (leftmost placement, unchanged base first): chr11-644554-A-ACGGT. GRCh37 (hg19) VCF-style: chr11-644554-A-ACGGT.
Other names: c.1464_1467dup, p.Val490Aspfs (NM_001293634.2); c.964_967dup, p.Val323fs (NM_001367390.1); short protein forms V323fs, V490fs, V565fs.
Identifiers: ClinVar variation 3393432 (VCV003393432.1).

ClinVar aggregate classification (germline): Uncertain significance (1 of 4 stars; one submission).

Conditions:
Intellectual disability, autosomal dominant 24 (VSVS). Also called: VULTO-VAN SILFHOUT-DE VRIES SYNDROME. Identifiers: MedGen C4014414, MONDO:0014357, OMIM 615828.

Submission:

Neuberg Centre For Genomic Medicine, NCGM
Classification: Uncertain significance for Intellectual disability, autosomal dominant 24. Review status: criteria provided, single submitter. Criteria: ACMG Guidelines, 2015. Collection method: clinical testing. Allele origin: germline. Inheritance: Autosomal dominant inheritance. Affected: yes.
Comment: The observed frameshift c.1690_1693dup p.Val565AspfsTer19 variant in DEAF1 gene has not been reported previously as a pathogenic variant nor as a benign variant, to our knowledge. The p.Val565AspfsTer19 variant is absent in gnomAD Exomes. This variant has not been submitted to the ClinVar database. This variant causes a frameshift starting with codon Valine 565, changes this amino acid to Aspartic Acid residue, and creates a premature Stop codon at position 19 of the new reading frame, denoted p.Val565AspfsTer19. However, since this variant is present in the last exon, functional studies will be required to prove protein truncation to prove protein truncation. As loss of function is not a known mechanism of this gene, this variant is classified as Variant of uncertain significance VUS.